The following is an entry in ClinVar:

ClinVar aggregate classification (germline): Benign (1 of 4 stars; one submission).

Allele frequency attached by ClinVar (database versions not stated): 1000 Genomes Project 0.08147; 1000 Genomes Project 30x 0.08307; gnomAD 0.14510; TOPMed 0.15677; gnomAD exomes 0.19586.
gnomAD v4.1: 26,877 of 168,938 alleles (16%); highest among the groups gnomAD compares: Non-Finnish European, 24%; 2,902 homozygotes.

Submission:

GeneDx
Classification: Benign. Last evaluated: 2018-06-14. Review status: criteria provided, single submitter. Criteria: GeneDx Variant Classification (06012015). Collection method: clinical testing. Allele origin: germline. Affected: yes.
Comment: This variant is considered likely benign or benign based on one or more of the following criteria: it is a conservative change, it occurs at a poorly conserved position in the protein, it is predicted to be benign by multiple in silico algorithms, and/or has population frequency not consistent with disease.

NM_001271.4(CHD2):c.1377+301C>T

Gene: CHD2 (chromodomain helicase DNA binding protein 2; plus strand). Cytogenetic location: 15q26.1.
Variant type: single nucleotide variant.
Coding change: c.1377+301C>T on transcript NM_001271.4 (MANE Select); 301 bases into the intron after coding-DNA position 1377, C replaced by T.
Molecular consequence: intron variant.
Genome position (GRCh38, 1-based): chr15:92,946,517, C>T. VCF-style: chr15-92946517-C-T. GRCh37 (hg19) VCF-style: chr15-93489747-C-T.
Other names: c.1377+301C>T (NM_001042572.3).
Identifiers: ClinVar variation 668077 (VCV000668077.1), dbSNP rs35327372, ClinGen allele CA14125104.